The following is an entry in ClinVar:

NM_003924.4(PHOX2B):c.614_619dup (p.Pro206_Ser207insThrPro)

Gene: PHOX2B (paired like homeobox 2B; minus strand). Cytogenetic location: 4p13.
Variant type: Duplication.
Coding change: c.614_619dup on transcript NM_003924.4 (MANE Select); coding-DNA positions 614 to 619, 6 bases duplicated (CCCCCA; older notation c.614_619dupCCCCCA).
Protein change: p.Pro206_Ser207insThrPro.
Molecular consequence: inframe insertion. On other transcripts: inframe indel (1).
Genome position (GRCh38, 1-based): chr4:41,746,133-41,746,138, TGGGGG duplicated on the plus strand (CCCCCA on the coding strand, the reverse complement: PHOX2B is on the minus strand); duplicating any 6 consecutive bases within chr4:41,746,133-41,746,143 gives the same sequence; the c. name uses the placement nearest the transcript's 3' end. VCF-style (leftmost placement, unchanged base first): chr4-41746132-C-CTGGGGG. GRCh37 (hg19) VCF-style: chr4-41748149-C-CTGGGGG.
Other names: c.614_619dupCCCCCA (NM_003924.3).
Identifiers: ClinVar variation 1751837 (VCV001751837.2), dbSNP rs2552096856, ClinGen allele CA2578074977.

ClinVar aggregate classification (germline): Uncertain significance (1 of 4 stars; one submission).

Conditions:
Hereditary cancer-predisposing syndrome. Also called: Hereditary Cancer Syndrome; Hereditary neoplastic syndrome; Neoplastic Syndromes, Hereditary; Tumor predisposition. Identifiers: Orphanet 140162, MedGen C0027672, MeSH D009386, MONDO:0015356.

Submission:

Ambry Genetics
Classification: Uncertain significance for Hereditary cancer-predisposing syndrome. Last evaluated: 2021-08-19. Review status: criteria provided, single submitter. Criteria: Ambry Variant Classification Scheme 2023. Collection method: clinical testing. Allele origin: germline.
Comment: The c.614_619dupCCCCCA variant (also known as p.T205_P206dup), located in coding exon 3 of the PHOX2B gene, results from an in-frame duplication of CCCCCA at nucleotide positions 614 to 619. This results in the duplication of 2 extra residues (TP) between codons 205 and 206. These amino acid positions are well conserved in available vertebrate species. In addition, this alteration is predicted to be neutral by in silico analysis (Choi Y et al. PLoS ONE. 2012; 7(10):e46688). Since supporting evidence is limited at this time, the clinical significance of this alteration remains unclear.